The following is an entry in ClinVar:

ClinVar aggregate classification (germline): Benign (1 of 4 stars; one submission).

Allele frequency attached by ClinVar (database versions not stated): 1000 Genomes Project 30x 0.30668; 1000 Genomes Project 0.30851; TOPMed 0.34330; gnomAD 0.35501 and 0.35700.
gnomAD v4.1: 54,430 of 152,056 alleles (36%); highest among the groups gnomAD compares: Non-Finnish European, 47%; 11,385 homozygotes.

Submission:

GeneDx
Classification: Benign. Last evaluated: 2018-06-14. Review status: criteria provided, single submitter. Criteria: GeneDx Variant Classification (06012015). Collection method: clinical testing. Allele origin: germline. Affected: yes.
Comment: This variant is considered likely benign or benign based on one or more of the following criteria: it is a conservative change, it occurs at a poorly conserved position in the protein, it is predicted to be benign by multiple in silico algorithms, and/or has population frequency not consistent with disease.

NM_000053.4(ATP7B):c.2447+289G>T

Gene: ATP7B (ATPase copper transporting beta; minus strand). Cytogenetic location: 13q14.3.
Variant type: single nucleotide variant.
Coding change: c.2447+289G>T on transcript NM_000053.4 (MANE Select); 289 bases into the intron after coding-DNA position 2447, G replaced by T.
Molecular consequence: intron variant.
Genome position (GRCh38, 1-based): chr13:51,957,227, C>A on the plus strand (G>T on the coding strand, the complement: ATP7B is on the minus strand). VCF-style: chr13-51957227-C-A. GRCh37 (hg19) VCF-style: chr13-52531363-C-A.
Other names: c.2114+289G>T (NM_001243182.2); c.1961+289G>T (NM_001005918.3); c.2195+289G>T (NM_001330579.2); c.2213+289G>T (NM_001330578.2).
Identifiers: ClinVar variation 680482 (VCV000680482.1), dbSNP rs3825526, ClinGen allele CA13923874.